The following is an entry in ClinVar:

NM_005228.5(EGFR):c.2227G>A (p.Ala743Thr)

Gene: EGFR (epidermal growth factor receptor; plus strand). Cytogenetic location: 7p11.2.
Variant type: single nucleotide variant.
Coding change: c.2227G>A on transcript NM_005228.5 (MANE Select); coding-DNA position 2227, G replaced by A.
Protein change: p.Ala743Thr; replaces alanine 743 with threonine.
Molecular consequence: missense variant.
Genome position (GRCh38, 1-based): chr7:55,174,764, G>A. VCF-style: chr7-55174764-G-A. GRCh37 (hg19) VCF-style: chr7-55242457-G-A.
Other names: c.2068G>A, p.Ala690Thr (NM_001346900.2); c.1426G>A, p.Ala476Thr (NM_001346941.2); c.2092G>A, p.Ala698Thr (NM_001346897.2, NM_001346899.2); c.2227G>A, p.Ala743Thr (NM_001346898.2); c.2227G>A (NM_005228.4); short protein forms A698T, A476T, A690T, A743T.
Identifiers: ClinVar variation 965885 (VCV000965885.8), dbSNP rs759256622, ClinGen allele CA4266019.

ClinVar aggregate classification (germline): Uncertain significance. Review status: criteria provided, multiple submitters, no conflicts (2 of 4 stars). 3 submissions from 3 submitters: Uncertain significance (3). Last evaluated 2025-12-17.

Conditions:
Hereditary cancer-predisposing syndrome. Also called: Hereditary neoplastic syndrome; Neoplastic Syndromes, Hereditary; Hereditary Cancer Syndrome; Tumor predisposition. Identifiers: Orphanet 140162, MedGen C0027672, MeSH D009386, MONDO:0015356.
EGFR-related lung cancer (EGFR). Identifiers: MedGen CN130014.

Allele frequency attached by ClinVar (database versions not stated): ExAC 0.00001; gnomAD 0.00001 and 0.00002; gnomAD exomes 0.00001; TOPMed 0.00001.
gnomAD v4.1: 14 of 1,614,038 alleles (0.00087%); highest among the groups gnomAD compares: African/African-American, 0.0013%; no homozygotes.

Submissions (3):

Labcorp Genetics (formerly Invitae), Labcorp
Classification: Uncertain significance for EGFR-related lung cancer. Last evaluated: 2025-12-17. Review status: criteria provided, single submitter. Criteria: Invitae Variant Classification Sherloc (09022015). Collection method: clinical testing. Allele origin: germline.
Comment: This sequence change replaces alanine, which is neutral and non-polar, with threonine, which is neutral and polar, at codon 743 of the EGFR protein (p.Ala743Thr). This variant is present in population databases (rs759256622, gnomAD 0.004%). This variant has not been reported in the literature in individuals affected with EGFR-related conditions. ClinVar contains an entry for this variant (Variation ID: 965885). Invitae Evidence Modeling of protein sequence and biophysical properties (such as structural, functional, and spatial information, amino acid conservation, physicochemical variation, residue mobility, and thermodynamic stability) indicates that this missense variant is expected to disrupt EGFR protein function with a positive predictive value of 80%. In summary, the available evidence is currently insufficient to determine the role of this variant in disease. Therefore, it has been classified as a Variant of Uncertain Significance.

Ambry Genetics
Classification: Uncertain significance for Hereditary cancer-predisposing syndrome. Last evaluated: 2025-06-16. Review status: criteria provided, single submitter. Criteria: Ambry Variant Classification Scheme 2023. Collection method: clinical testing. Allele origin: germline.
Comment: The p.A743T variant (also known as c.2227G>A), located in coding exon 19 of the EGFR gene, results from a G to A substitution at nucleotide position 2227. The alanine at codon 743 is replaced by threonine, an amino acid with similar properties. This amino acid position is highly conserved in available vertebrate species. In addition, this alteration is predicted to be deleterious by in silico analysis. Based on the available evidence, the clinical significance of this variant remains unclear.

Quest Diagnostics Nichols Institute San Juan Capistrano
Classification: Uncertain significance. Last evaluated: 2025-01-19. Review status: criteria provided, single submitter. Criteria: Quest Diagnostics criteria. Collection method: clinical testing. Allele origin: unknown.
Comment: The EGFR c.2227G>A (p.Ala743Thr) variant has been reported in the published literature as a somatic variant in individuals with gastric cancer (PMID: 32934698 (2020)) and non-small cell lung cancer (PMID: 24891042 (2014)). The frequency of this variant in the general population (Genome Aggregation Database) is uninformative in the assessment of its pathogenicity. Analysis of this variant using bioinformatics tools for the prediction of the effect of amino acid changes on protein structure and function yielded predictions that this variant is damaging. Based on the available information, we are unable to determine the clinical significance of this variant.

Literature cited by the submitters: PubMed 32934698 (cited by Quest Diagnostics Nichols Institute San Juan Capistrano); PubMed 24891042 (cited by Quest Diagnostics Nichols Institute San Juan Capistrano).